The following is an entry in ClinVar:

ClinVar aggregate classification (germline): Likely pathogenic (1 of 4 stars; one submission).

Conditions:
Marfan syndrome (MFS). Also called: FBN1-Related Marfan Syndrome; MARFAN SYNDROME, TYPE I; Marfan syndrome type 1; Marfan's syndrome; Marfan syndrome, classic. Identifiers: Orphanet 284963, Orphanet 558, MedGen C0024796, MONDO:0007947, OMIM 154700.
Familial thoracic aortic aneurysm and aortic dissection (TAAD). Also called: Thoracic aortic aneurysms and dissections. Identifiers: Orphanet 91387, MedGen C4707243, MONDO:0019625.

Submission:

Labcorp Genetics (formerly Invitae), Labcorp
Classification: Likely pathogenic for Marfan syndrome; Familial thoracic aortic aneurysm and aortic dissection. Last evaluated: 2020-02-12. Review status: criteria provided, single submitter. Criteria: Invitae Variant Classification Sherloc (09022015). Collection method: clinical testing. Allele origin: germline.
Comment: This sequence change replaces cysteine with phenylalanine at codon 313 of the FBN1 protein (p.Cys313Phe). The cysteine residue is highly conserved and there is a large physicochemical difference between cysteine and phenylalanine. This variant is not present in population databases (ExAC no frequency). This variant has not been reported in the literature in individuals with FBN1-related conditions. Algorithms developed to predict the effect of missense changes on protein structure and function (SIFT, PolyPhen-2, Align-GVGD) all suggest that this variant is likely to be disruptive, but these predictions have not been confirmed by published functional studies and their clinical significance is uncertain. This variant disrupts the p.Cys313 amino acid residue in FBN1. Other variant(s) that disrupt this residue have been observed in individuals with FBN1-related conditions (PMID: 27906200), which suggests that this may be a clinically significant amino acid residue. In summary, the currently available evidence indicates that the variant is pathogenic, but additional data are needed to prove that conclusively. Therefore, this variant has been classified as Likely Pathogenic. This variant affects a cysteine residue in the EGF-like, TGFBP or hybrid motif domains of FBN1. Cysteine residues are believed to be involved in intramolecular disulfide bridges and have been shown to be important for FBN1 protein structure (PMID: 16905551, 19349279). In addition, missense substitutions affecting cysteine residues within these domains are significantly overrepresented among patients with Marfan syndrome (PMID: 16571647, 17701892).

Literature cited by the submitters: PubMed 27906200; PubMed 16905551; PubMed 19349279; PubMed 16571647; PubMed 17701892.

NM_000138.5(FBN1):c.938G>T (p.Cys313Phe)

Gene: FBN1 (fibrillin 1; minus strand). Cytogenetic location: 15q21.1.
Variant type: single nucleotide variant.
Coding change: c.938G>T on transcript NM_000138.5 (MANE Select); coding-DNA position 938, G replaced by T.
Protein change: p.Cys313Phe; replaces cysteine 313 with phenylalanine.
Molecular consequence: missense variant.
Genome position (GRCh38, 1-based): chr15:48,526,180, C>A on the plus strand (G>T on the coding strand, the complement: FBN1 is on the minus strand). VCF-style: chr15-48526180-C-A. GRCh37 (hg19) VCF-style: chr15-48818377-C-A.
Other names: short protein forms C313F.
Identifiers: ClinVar variation 1067815 (VCV001067815.9), dbSNP rs2141343367, ClinGen allele CA392349956.
Genomic context (GRCh38, chr15:48,526,180, plus strand): 5'-TTAAACCTACCTATGCATCTGGTACCATCTGGAGAGGTGTAAAAACCAGGGGGACATTTG[C>A]AAAAGTAACTGCTGACTGTGTTTGTACATTCACCCCCTTCACAGATTCCAGGAATGGTGC-3'
Protein context (NP_000129.3, residues 303-323): ECTNTVSSYF[Cys313Phe]KCPPGFYTSP